The following is an entry in ClinVar:

ClinVar aggregate classification (germline): Likely pathogenic (1 of 4 stars; one submission).

Conditions:
TRPS1-related disorder. Also called: TRPS1-related condition.

Submission:

3billion
Classification: Likely pathogenic for TRPS1-related disorder. Last evaluated: 2024-08-29. Review status: criteria provided, single submitter. Criteria: ACMG Guidelines, 2015. Collection method: clinical testing. Allele origin: germline. Affected: yes.
Comment: The variant is not observed in the gnomAD v4.0.0 dataset. Predicted Consequence/Location: Canonical splice site: predicted to alter splicing and result in a loss or disruption of normal protein function. Multiple pathogenic loss-of-function variants are reported downstream of the variant. In silico tools predict the variant to alter splicing and produce an abnormal transcript [SpliceAI: 0.99 (spliceogenicity >=0.2, non-spliceogenicity <0.1)]. Therefore, this variant is classified as Likely pathogenic according to the recommendation of ACMG/AMP guideline.

NM_014112.5(TRPS1):c.967-2A>G

Gene: TRPS1 (transcriptional repressor GATA binding 1; minus strand). Cytogenetic location: 8q23.3.
Variant type: single nucleotide variant.
Coding change: c.967-2A>G on transcript NM_014112.5 (MANE Select); the canonical splice acceptor site of the intron before coding-DNA position 967, A replaced by G.
Molecular consequence: splice acceptor variant.
Genome position (GRCh38, 1-based): chr8:115,605,004, T>C on the plus strand (A>G on the coding strand, the complement: TRPS1 is on the minus strand). VCF-style: chr8-115605004-T-C. GRCh37 (hg19) VCF-style: chr8-116617231-T-C.
Other names: c.928-2A>G (NM_001330599.2); c.946-2A>G (NM_001282903.3); c.940-2A>G (NM_001282902.3).
Identifiers: ClinVar variation 4292602 (VCV004292602.1).